The following is an entry in ClinVar:

ClinVar aggregate classification (germline): Uncertain significance (1 of 4 stars; one submission).

Conditions:
Emery-Dreifuss muscular dystrophy 4, autosomal dominant (EDMD4). Also called: EMERY-DREIFUSS MUSCULAR DYSTROPHY 4 WITH VARIABLE FEATURES. Identifiers: Orphanet 261, MedGen C2751807, MONDO:0013071, OMIM 612998.
Autosomal recessive ataxia, Beauce type. Also called: SYNE1-Related Autosomal Recessive Cerebellar Ataxia; Spinocerebellar ataxia, autosomal recessive 8; ATAXIA, RECESSIVE, OF BEAUCE; SYNE1 Deficiency. Identifiers: Orphanet 88644, MedGen C1853116, MONDO:0012549, OMIM 610743.

Submission:

Labcorp Genetics (formerly Invitae), Labcorp
Classification: Uncertain significance for Emery-Dreifuss muscular dystrophy 4, autosomal dominant; Autosomal recessive ataxia, Beauce type. Last evaluated: 2022-06-04. Review status: criteria provided, single submitter. Criteria: Invitae Variant Classification Sherloc (09022015). Collection method: clinical testing. Allele origin: germline.
Comment: This sequence change replaces leucine, which is neutral and non-polar, with proline, which is neutral and non-polar, at codon 3132 of the SYNE1 protein (p.Leu3132Pro). This variant is not present in population databases (gnomAD no frequency). This variant has not been reported in the literature in individuals affected with SYNE1-related conditions. ClinVar contains an entry for this variant (Variation ID: 575718). Algorithms developed to predict the effect of missense changes on protein structure and function are either unavailable or do not agree on the potential impact of this missense change (SIFT: "Deleterious"; PolyPhen-2: "Benign"; Align-GVGD: "Class C0"). In summary, the available evidence is currently insufficient to determine the role of this variant in disease. Therefore, it has been classified as a Variant of Uncertain Significance.

NM_182961.4(SYNE1):c.9374T>C (p.Leu3125Pro)

Gene: SYNE1 (spectrin repeat containing nuclear envelope protein 1; minus strand). Cytogenetic location: 6q25.2.
Variant type: single nucleotide variant.
Coding change: c.9374T>C on transcript NM_182961.4 (MANE Select); coding-DNA position 9374, T replaced by C.
Protein change: p.Leu3125Pro; replaces leucine 3125 with proline.
Molecular consequence: missense variant.
Genome position (GRCh38, 1-based): chr6:152,373,170, A>G on the plus strand (T>C on the coding strand, the complement: SYNE1 is on the minus strand). VCF-style: chr6-152373170-A-G. GRCh37 (hg19) VCF-style: chr6-152694305-A-G.
Other names: c.9395T>C, p.Leu3132Pro (NM_033071.5); short protein forms L3125P, L3132P.
Identifiers: ClinVar variation 575718 (VCV000575718.8), dbSNP rs1563477104, ClinGen allele CA366140124.